The following is an entry in ClinVar:

ClinVar aggregate classification (germline): Pathogenic. Review status: criteria provided, multiple submitters, no conflicts (2 of 4 stars). 5 submissions from 5 submitters: Pathogenic (4). 1 of the submissions does not count toward it. Last evaluated 2025-12-29.

Conditions:
Combined immunodeficiency due to moesin deficiency. Also called: IMMUNODEFICIENCY 50, X-LINKED RECESSIVE; Immunodeficiency 50. Identifiers: Orphanet 504530, MedGen C5568123, MONDO:0010514, OMIM 300988.

Submissions (5):

Center for Genomic Medicine, Rigshospitalet, Copenhagen University Hospital
Classification: Pathogenic. Last evaluated: 2025-12-29. Review status: criteria provided, single submitter. Criteria: ACMG Guidelines, 2015. Collection method: clinical testing. Allele origin: germline.
Comment: Classification criteria: PM2_supporting, PP3_moderate, PS3_supporting, PP4_strong

Labcorp Genetics (formerly Invitae), Labcorp
Classification: Pathogenic. Last evaluated: 2025-12-01. Review status: criteria provided, single submitter. Criteria: Invitae Variant Classification Sherloc (09022015). Collection method: clinical testing. Allele origin: germline.
Comment: This sequence change replaces arginine, which is basic and polar, with tryptophan, which is neutral and slightly polar, at codon 171 of the MSN protein (p.Arg171Trp). This variant is not present in population databases (gnomAD no frequency). This missense change has been observed in individuals with X-linked moesin deficiency (PMID: 27405666, 28378256, 29556235). It has also been observed to segregate with disease in related individuals. ClinVar contains an entry for this variant (Variation ID: 372154). An algorithm developed to predict the effect of missense changes on protein structure and function (PolyPhen-2) suggests that this variant is likely to be disruptive. Studies have shown that this missense change alters MSN gene expression (PMID: 29556235). For these reasons, this variant has been classified as Pathogenic.

Laboratory for Molecular Medicine, Mass General Brigham Personalized Medicine
Classification: Pathogenic for Immunodeficiency 50. Last evaluated: 2018-12-03. Review status: criteria provided, single submitter. Criteria: LMM Criteria. Collection method: clinical testing. Allele origin: germline. Inheritance: X-linked inheritance. Observed: 1 variant allele.
Comment: The p.Arg171Trp variant in MSN is absent from large population studies but has b een reported as hemizygous in 9 males from 7 families with clinical features of immunodeficiency. It was shown to be inherited from unaffected heterozygous moth ers for 5 of the probands and was confirmed de novo in one proband (Lagresle-Pey rou et al. 2016, Delmonte et al. 2017, Bradshaw et al. 2018, Broad Institute Rar e Genomes Project). In vitro functional studies (Lagresle-Peyrou et al. 2016), c omputational prediction tools and conservation analysis all support an impact to protein function. In summary, this variant meets criteria to be classified as p athogenic for immunodeficiency in an X-linked manner based upon case counts, de novo occurrence, absence from controls, functional evidence, and in silico predi ctors. ACMG/AMP Criteria applied: PS4_Moderate, PS2, PM2, PS3_Supporting, PP3.

CeGaT Center for Human Genetics Tuebingen
Classification: Pathogenic. Last evaluated: 2018-05-01. Review status: criteria provided, single submitter. Criteria: CeGaT Center For Human Genetics Tuebingen Variant Classification Criteria Version 2. Collection method: clinical testing. Allele origin: germline. Affected: yes. Observed: 3 variant alleles.

OMIM
Classification: Pathogenic for IMMUNODEFICIENCY 50. Last evaluated: 2016-12-15. Review status: no assertion criteria provided. Collection method: literature only. Allele origin: germline. Not counted in ClinVar's aggregate classification.

Literature cited by the submitters: PubMed 27405666 (cited by 4 submitters); PubMed 38052292 (cited by Center for Genomic Medicine, Rigshospitalet, Copenhagen University Hospital); PubMed 28378256 (cited by Labcorp Genetics (formerly Invitae), Labcorp and Laboratory for Molecular Medicine, Mass General Brigham Personalized Medicine); PubMed 29556235 (cited by Labcorp Genetics (formerly Invitae), Labcorp and Laboratory for Molecular Medicine, Mass General Brigham Personalized Medicine).

NM_002444.3(MSN):c.511C>T (p.Arg171Trp)

Gene: MSN (moesin; plus strand). Cytogenetic location: Xq12.
Variant type: single nucleotide variant.
Coding change: c.511C>T on transcript NM_002444.3 (MANE Select); coding-DNA position 511, C replaced by T.
Protein change: p.Arg171Trp; replaces arginine 171 with tryptophan.
Molecular consequence: missense variant.
Genome position (GRCh38, 1-based): chrX:65,731,150, C>T. VCF-style: chrX-65731150-C-T. GRCh37 (hg19) VCF-style: chrX-64951012-C-T.
Other names: short protein forms R171W.
Identifiers: ClinVar variation 372154 (VCV000372154.52), dbSNP rs1057519074, ClinGen allele CA16042218.